The following is an entry in ClinVar:

ClinVar aggregate classification (germline): Uncertain significance (1 of 4 stars; one submission).

Conditions:
Holoprosencephaly 9 (HPE9). Also called: PITUITARY ANOMALIES WITH HOLOPROSENCEPHALY-LIKE FEATURES; HOLOPROSENCEPHALY WITH MICROPHTHALMIA AND FIRST BRANCHIAL ARCH ANOMALIES. Identifiers: Orphanet 2162, MedGen C1835819, MONDO:0012563, OMIM 610829.
Postaxial polydactyly-anterior pituitary anomalies-facial dysmorphism syndrome. Also called: Culler-Jones syndrome. Identifiers: Orphanet 420584, MedGen C4014479, MONDO:0014369, OMIM 615849.

Submission:

Labcorp Genetics (formerly Invitae), Labcorp
Classification: Uncertain significance for Postaxial polydactyly-anterior pituitary anomalies-facial dysmorphism syndrome; Holoprosencephaly 9. Last evaluated: 2024-01-05. Review status: criteria provided, single submitter. Criteria: Invitae Variant Classification Sherloc (09022015). Collection method: clinical testing. Allele origin: germline.
Comment: This sequence change replaces proline, which is neutral and non-polar, with threonine, which is neutral and polar, at codon 982 of the GLI2 protein (p.Pro982Thr). This variant is not present in population databases (gnomAD no frequency). This variant has not been reported in the literature in individuals affected with GLI2-related conditions. Advanced modeling of protein sequence and biophysical properties (such as structural, functional, and spatial information, amino acid conservation, physicochemical variation, residue mobility, and thermodynamic stability) performed at Invitae indicates that this missense variant is not expected to disrupt GLI2 protein function with a negative predictive value of 80%. In summary, the available evidence is currently insufficient to determine the role of this variant in disease. Therefore, it has been classified as a Variant of Uncertain Significance.

NM_001374353.1(GLI2):c.2893C>A (p.Pro965Thr)

Gene: GLI2 (GLI family zinc finger 2; plus strand). Cytogenetic location: 2q14.2.
Variant type: single nucleotide variant.
Coding change: c.2893C>A on transcript NM_001374353.1 (MANE Select); coding-DNA position 2893, C replaced by A.
Protein change: p.Pro965Thr; replaces proline 965 with threonine.
Molecular consequence: missense variant.
Genome position (GRCh38, 1-based): chr2:120,988,858, C>A. VCF-style: chr2-120988858-C-A. GRCh37 (hg19) VCF-style: chr2-121746434-C-A.
Other names: c.2944C>A, p.Pro982Thr (NM_001371271.1, NM_005270.5); c.2518C>A, p.Pro840Thr (NM_001374354.1); short protein forms P965T, P840T, P982T.
Identifiers: ClinVar variation 2935540 (VCV002935540.3), dbSNP rs945554487, ClinGen allele CA348170465.
Genomic context (GRCh38, chr2:120,988,858, plus strand): 5'-CCAGGCGGCGGAGCCAGGCGGGCCAGCGACCCTGTGCGGCGGCCCGATGCCCTGTCCCTG[C>A]CGCGGGTGCAGCGCTTCCACAGCACCCACAACGTGAACCCCGGCCCGCTGCCGCCCTGTG-3'
Protein context (NP_001361282.1, residues 955-975): PVRRPDALSL[Pro965Thr]RVQRFHSTHN